The following is an entry in ClinVar:

NC_000013.10:g.(?_100925430)_(100925620_?)del

Gene: PCCA (propionyl-CoA carboxylase subunit alpha; plus strand). Cytogenetic location: 13q32.3.
Variant type: Deletion.
Identifiers: ClinVar variation 1457382 (VCV001457382.4).

ClinVar aggregate classification (germline): Pathogenic (1 of 4 stars; one submission).

Conditions:
Propionic acidemia (PROP). Also called: GLYCINEMIA, KETOTIC; HYPERGLYCINEMIA WITH KETOACIDOSIS AND LEUKOPENIA; KETOTIC HYPERGLYCINEMIA. Identifiers: Orphanet 35, MedGen C0268579, MONDO:0011628, OMIM 606054, HP:0003571.

Submission:

Labcorp Genetics (formerly Invitae), Labcorp
Classification: Pathogenic for Propionic acidemia. Last evaluated: 2021-09-23. Review status: criteria provided, single submitter. Criteria: Invitae Variant Classification Sherloc (09022015). Collection method: clinical testing. Allele origin: germline.
Comment: For these reasons, this variant has been classified as Pathogenic. This variant has not been reported in the literature in individuals affected with PCCA-related conditions. This variant is a gross deletion of the genomic region encompassing exon(s) 12 of the PCCA gene. This deletion is out-of-frame, and is expected to create a premature termination codon and result in an absent or disrupted protein product. Loss-of-function variants in PCCA are known to be pathogenic (PMID: 15464417).

Literature cited by the submitters: PubMed 15464417.